The following is an entry in ClinVar:

NM_001271938.2(MEGF8):c.68C>T (p.Pro23Leu)

Gene: MEGF8 (multiple EGF like domains 8; plus strand). Cytogenetic location: 19q13.2.
Variant type: single nucleotide variant.
Coding change: c.68C>T on transcript NM_001271938.2 (MANE Select); coding-DNA position 68, C replaced by T.
Protein change: p.Pro23Leu; replaces proline 23 with leucine.
Molecular consequence: missense variant.
Genome position (GRCh38, 1-based): chr19:42,326,311, C>T. VCF-style: chr19-42326311-C-T. GRCh37 (hg19) VCF-style: chr19-42830463-C-T.
Other names: c.68C>T, p.Pro23Leu (NM_001410.3); c.68C>T (NM_001410.2); short protein forms P23L.
Identifiers: ClinVar variation 2046117 (VCV002046117.2), dbSNP rs774347513, ClinGen allele CA9474056.

ClinVar aggregate classification (germline): Uncertain significance. Review status: criteria provided, multiple submitters, no conflicts (2 of 4 stars). 2 submissions from 2 submitters: Uncertain significance (2). Last evaluated 2025-05-01.

Conditions:
Inborn genetic diseases. Identifiers: MedGen C0950123, MeSH D030342.
MEGF8-related Carpenter syndrome. Also called: Carpenter syndrome 2. Identifiers: Orphanet 65759, MedGen C3554247, MONDO:0013998, OMIM 614976.

Allele frequency attached by ClinVar (database versions not stated): gnomAD exomes 0.00001; TOPMed 0.00001; ExAC 0.00004.
gnomAD v4.1: 8 of 1,563,528 alleles (0.00051%); highest among the groups gnomAD compares: Admixed American, 0.015%; no homozygotes.

Submissions (2):

Ambry Genetics
Classification: Uncertain significance for Inborn genetic diseases. Last evaluated: 2025-05-01. Review status: criteria provided, single submitter. Criteria: Ambry Variant Classification Scheme 2023. Collection method: clinical testing. Allele origin: germline.

Labcorp Genetics (formerly Invitae), Labcorp
Classification: Uncertain significance for MEGF8-related Carpenter syndrome. Last evaluated: 2022-09-28. Review status: criteria provided, single submitter. Criteria: Invitae Variant Classification Sherloc (09022015). Collection method: clinical testing. Allele origin: germline.
Comment: This sequence change replaces proline, which is neutral and non-polar, with leucine, which is neutral and non-polar, at codon 23 of the MEGF8 protein (p.Pro23Leu). This variant is present in population databases (rs774347513, gnomAD 0.03%). This variant has not been reported in the literature in individuals affected with MEGF8-related conditions. Algorithms developed to predict the effect of missense changes on protein structure and function output the following: SIFT: "Tolerated"; PolyPhen-2: "Not Available"; Align-GVGD: "Class C0". The leucine amino acid residue is found in multiple mammalian species, which suggests that this missense change does not adversely affect protein function. In summary, the available evidence is currently insufficient to determine the role of this variant in disease. Therefore, it has been classified as a Variant of Uncertain Significance.